The following is an entry in ClinVar:

ClinVar aggregate classification (germline): Uncertain significance. Review status: criteria provided, multiple submitters, no conflicts (2 of 4 stars). 2 submissions from 2 submitters: Uncertain significance (2). Last evaluated 2025-01-19.

Submissions (2):

Ambry Genetics
Classification: Uncertain significance. Last evaluated: 2025-01-19. Review status: criteria provided, single submitter. Criteria: Ambry Variant Classification Scheme 2023. Collection method: clinical testing. Allele origin: germline.
Comment: The p.G523V variant (also known as c.1568G>T), located in coding exon 12 of the RECQL gene, results from a G to T substitution at nucleotide position 1568. The glycine at codon 523 is replaced by valine, an amino acid with dissimilar properties. This amino acid position is conserved. In addition, this alteration is predicted to be deleterious by in silico analysis. Based on the available evidence, the clinical significance of this variant remains unclear.

Labcorp Genetics (formerly Invitae), Labcorp
Classification: Uncertain significance. Last evaluated: 2024-07-25. Review status: criteria provided, single submitter. Criteria: Invitae Variant Classification Sherloc (09022015). Collection method: clinical testing. Allele origin: germline.
Comment: This sequence change replaces glycine, which is neutral and non-polar, with valine, which is neutral and non-polar, at codon 523 of the RECQL protein (p.Gly523Val). This variant is not present in population databases (gnomAD no frequency). This variant has not been reported in the literature in individuals affected with RECQL-related conditions. Advanced modeling of protein sequence and biophysical properties (such as structural, functional, and spatial information, amino acid conservation, physicochemical variation, residue mobility, and thermodynamic stability) performed at Invitae indicates that this missense variant is not expected to disrupt RECQL protein function with a negative predictive value of 80%. In summary, the available evidence is currently insufficient to determine the role of this variant in disease. Therefore, it has been classified as a Variant of Uncertain Significance.

NM_002907.4(RECQL):c.1568G>T (p.Gly523Val)

Gene: RECQL (RecQ like helicase; minus strand). Cytogenetic location: 12p12.1.
Variant type: single nucleotide variant.
Coding change: c.1568G>T on transcript NM_002907.4 (MANE Select); coding-DNA position 1568, G replaced by T.
Protein change: p.Gly523Val; replaces glycine 523 with valine.
Molecular consequence: missense variant.
Genome position (GRCh38, 1-based): chr12:21,471,527, C>A on the plus strand (G>T on the coding strand, the complement: RECQL is on the minus strand). VCF-style: chr12-21471527-C-A. GRCh37 (hg19) VCF-style: chr12-21624461-C-A.
Other names: c.1568G>T, p.Gly523Val (NM_032941.3); c.1568G>T (NM_002907.3); short protein forms G523V.
Identifiers: ClinVar variation 3689143 (VCV003689143.3).